The following is an entry in ClinVar:

ClinVar aggregate classification (germline): Likely pathogenic. Review status: criteria provided, multiple submitters, no conflicts (2 of 4 stars). 2 submissions from 2 submitters: Likely pathogenic (2). Last evaluated 2023-11-14.

Conditions:
Acyl-CoA dehydrogenase 9 deficiency. Also called: Acyl-CoA dehydrogenase family, member 9, deficiency of; MITOCHONDRIAL COMPLEX I DEFICIENCY, NUCLEAR TYPE 20. Identifiers: Orphanet 99901, MedGen C4747517, MONDO:0012624, OMIM 611126.

Allele frequency attached by ClinVar (database versions not stated): gnomAD exomes below 0.00001.
gnomAD v4.1: 1 of 1,614,140 alleles (0.000062%); highest among the groups gnomAD compares: Non-Finnish European, 0.000085%; no homozygotes.

Submissions (2):

Labcorp Genetics (formerly Invitae), Labcorp
Classification: Likely pathogenic. Last evaluated: 2023-11-14. Review status: criteria provided, single submitter. Criteria: Invitae Variant Classification Sherloc (09022015). Collection method: clinical testing. Allele origin: germline.
Comment: This sequence change affects an acceptor splice site in intron 11 of the ACAD9 gene. It is expected to disrupt RNA splicing. Variants that disrupt the donor or acceptor splice site typically lead to a loss of protein function (PMID: 16199547), and loss-of-function variants in ACAD9 are known to be pathogenic (PMID: 25721401). This variant is not present in population databases (gnomAD no frequency). This variant has not been reported in the literature in individuals affected with ACAD9-related conditions. ClinVar contains an entry for this variant (Variation ID: 1469383). Algorithms developed to predict the effect of sequence changes on RNA splicing suggest that this variant may disrupt the consensus splice site. In summary, the currently available evidence indicates that the variant is pathogenic, but additional data are needed to prove that conclusively. Therefore, this variant has been classified as Likely Pathogenic.

Baylor Genetics
Classification: Likely pathogenic for Acyl-CoA dehydrogenase 9 deficiency. Last evaluated: 2023-02-28. Review status: criteria provided, single submitter. Criteria: ACMG Guidelines, 2015. Collection method: clinical testing. Allele origin: unknown.

Literature cited by the submitters: PubMed 16199547 (cited by Labcorp Genetics (formerly Invitae), Labcorp); PubMed 25721401 (cited by Labcorp Genetics (formerly Invitae), Labcorp).

NM_014049.5(ACAD9):c.1150-2A>G

Gene: ACAD9 (acyl-CoA dehydrogenase family member 9; plus strand). Cytogenetic location: 3q21.3.
Variant type: single nucleotide variant.
Coding change: c.1150-2A>G on transcript NM_014049.5 (MANE Select); the canonical splice acceptor site of the intron before coding-DNA position 1150, A replaced by G.
Molecular consequence: splice acceptor variant.
Genome position (GRCh38, 1-based): chr3:128,906,119, A>G. VCF-style: chr3-128906119-A-G. GRCh37 (hg19) VCF-style: chr3-128624962-A-G.
Other names: c.781-2A>G (NM_001410805.1).
Identifiers: ClinVar variation 1469383 (VCV001469383.7), dbSNP rs2107659422, ClinGen allele CA354437008.